The following is an entry in ClinVar:

NM_025000.4(DCAF17):c.394C>T (p.Arg132Cys)

Gene: DCAF17 (DDB1 and CUL4 associated factor 17; plus strand). Cytogenetic location: 2q31.1.
Variant type: single nucleotide variant.
Coding change: c.394C>T on transcript NM_025000.4 (MANE Select); coding-DNA position 394, C replaced by T.
Protein change: p.Arg132Cys; replaces arginine 132 with cysteine.
Molecular consequence: missense variant. On other transcripts: non-coding transcript variant (1).
Genome position (GRCh38, 1-based): chr2:171,448,753, C>T. VCF-style: chr2-171448753-C-T. GRCh37 (hg19) VCF-style: chr2-172305263-C-T.
Other names: c.394C>T, p.Arg132Cys (NM_001164821.2); short protein forms R132C.
Identifiers: ClinVar variation 2529594 (VCV002529594.4), dbSNP rs375763123, ClinGen allele CA1964656.

ClinVar aggregate classification (germline): Uncertain significance. Review status: criteria provided, multiple submitters, no conflicts (2 of 4 stars). 2 submissions from 2 submitters: Uncertain significance (2). Last evaluated 2025-07-02.

Conditions:
Woodhouse-Sakati syndrome. Also called: Hypogonadism, Alopecia, Diabetes Mellitus, Mental Retardation, and Extrapyramidal Syndrome; Hypogonadism, diabetes mellitus, alopecia, mental retardation and electrocardiographic abnormalities; EXTRAPYRAMIDAL DISORDER, PROGRESSIVE, WITH PRIMARY HYPOGONADISM, MENTAL RETARDATION, AND ALOPECIA. Identifiers: Orphanet 3464, MedGen C0342286, MONDO:0009419, OMIM 241080.
Inborn genetic diseases. Identifiers: MedGen C0950123, MeSH D030342.

Allele frequency attached by ClinVar (database versions not stated): gnomAD exomes 0.00002; ExAC 0.00003; TOPMed 0.00004; gnomAD 0.00005.

Submissions (2):

Ambry Genetics
Classification: Uncertain significance for Inborn genetic diseases. Last evaluated: 2025-07-02. Review status: criteria provided, single submitter. Criteria: Ambry Variant Classification Scheme 2023. Collection method: clinical testing. Allele origin: germline.

Labcorp Genetics (formerly Invitae), Labcorp
Classification: Uncertain significance for Woodhouse-Sakati syndrome. Last evaluated: 2024-03-25. Review status: criteria provided, single submitter. Criteria: Invitae Variant Classification Sherloc (09022015). Collection method: clinical testing. Allele origin: germline.
Comment: This sequence change replaces arginine, which is basic and polar, with cysteine, which is neutral and slightly polar, at codon 132 of the DCAF17 protein (p.Arg132Cys). This variant is present in population databases (rs375763123, gnomAD 0.05%). This variant has not been reported in the literature in individuals affected with DCAF17-related conditions. ClinVar contains an entry for this variant (Variation ID: 2529594). Advanced modeling of protein sequence and biophysical properties (such as structural, functional, and spatial information, amino acid conservation, physicochemical variation, residue mobility, and thermodynamic stability) performed at Invitae indicates that this missense variant is not expected to disrupt DCAF17 protein function with a negative predictive value of 80%. In summary, the available evidence is currently insufficient to determine the role of this variant in disease. Therefore, it has been classified as a Variant of Uncertain Significance.